The following is an entry in ClinVar:

ClinVar aggregate classification (germline): Uncertain significance. Review status: criteria provided, multiple submitters, no conflicts (2 of 4 stars). 2 submissions from 2 submitters: Uncertain significance (2). Last evaluated 2022-11-29.

Conditions:
Oculodentodigital dysplasia, autosomal recessive. Also called: OCULODENTOOSSEOUS DYSPLASIA, AUTOSOMAL RECESSIVE; ODDD, AUTOSOMAL RECESSIVE; ODOD, AUTOSOMAL RECESSIVE. Identifiers: Orphanet 2710, MedGen C2749477, MONDO:0009768, OMIM 257850.

Allele frequency attached by ClinVar (database versions not stated): gnomAD exomes 0.00001; TOPMed 0.00001.
gnomAD v4.1: 12 of 1,614,008 alleles (0.00074%); highest among the groups gnomAD compares: Non-Finnish European, 0.00093%; no homozygotes.

Submissions (2):

Labcorp Genetics (formerly Invitae), Labcorp
Classification: Uncertain significance for Oculodentodigital dysplasia, autosomal recessive. Last evaluated: 2022-11-29. Review status: criteria provided, single submitter. Criteria: Invitae Variant Classification Sherloc (09022015). Collection method: clinical testing. Allele origin: germline.
Comment: In summary, the available evidence is currently insufficient to determine the role of this variant in disease. Therefore, it has been classified as a Variant of Uncertain Significance. Advanced modeling of protein sequence and biophysical properties (such as structural, functional, and spatial information, amino acid conservation, physicochemical variation, residue mobility, and thermodynamic stability) performed at Invitae indicates that this missense variant is not expected to disrupt GJA1 protein function. ClinVar contains an entry for this variant (Variation ID: 1495473). This variant has not been reported in the literature in individuals affected with GJA1-related conditions. This variant is not present in population databases (gnomAD no frequency). This sequence change replaces glycine, which is neutral and non-polar, with aspartic acid, which is acidic and polar, at codon 252 of the GJA1 protein (p.Gly252Asp).

Blueprint Genetics
Classification: Uncertain significance. Last evaluated: 2022-09-20. Review status: criteria provided, single submitter. Criteria: ACMG Guidelines, 2015. Collection method: clinical testing. Allele origin: germline.

NM_000165.5(GJA1):c.755G>A (p.Gly252Asp)

Gene: GJA1 (gap junction protein alpha 1; plus strand). Cytogenetic location: 6q22.31.
Variant type: single nucleotide variant.
Coding change: c.755G>A on transcript NM_000165.5 (MANE Select); coding-DNA position 755, G replaced by A.
Protein change: p.Gly252Asp; replaces glycine 252 with aspartic acid.
Molecular consequence: missense variant.
Genome position (GRCh38, 1-based): chr6:121,447,602, G>A. VCF-style: chr6-121447602-G-A. GRCh37 (hg19) VCF-style: chr6-121768748-G-A.
Other names: short protein forms G252D.
Identifiers: ClinVar variation 1495473 (VCV001495473.7), dbSNP rs1773910782, ClinGen allele CA365559710.